The following is an entry in ClinVar:

ClinVar aggregate classification (germline): Likely benign (0 of 4 stars; one submission).

Conditions:
BCAM-related disorder. Also called: BCAM-related condition.

Allele frequency attached by ClinVar (database versions not stated): ExAC 0.00022; ESP Exome Variant Server 0.00062; TOPMed 0.00068; 1000 Genomes Project 30x 0.00125; 1000 Genomes Project 0.00140.
gnomAD v4.1: 263 of 1,613,848 alleles (0.016%); highest among the groups gnomAD compares: African/African-American, 0.2%; no homozygotes.

Submission:

PreventionGenetics, part of Exact Sciences
Classification: Likely benign for BCAM-related condition. Last evaluated: 2019-10-04. Review status: no assertion criteria provided. Collection method: clinical testing. Allele origin: germline.
Comment: This variant is classified as likely benign based on ACMG/AMP sequence variant interpretation guidelines (Richards et al. 2015 PMID: 25741868, with internal and published modifications).

NM_005581.5(BCAM):c.1617C>T (p.Thr539=)

Gene: BCAM (basal cell adhesion molecule (Lutheran blood group); plus strand). Cytogenetic location: 19q13.32.
Variant type: single nucleotide variant.
Coding change: c.1617C>T on transcript NM_005581.5 (MANE Select); coding-DNA position 1617, C replaced by T.
Protein change: p.Thr539=; no amino-acid change (threonine 539 retained).
Molecular consequence: synonymous variant.
Genome position (GRCh38, 1-based): chr19:44,819,489, C>T. VCF-style: chr19-44819489-C-T. GRCh37 (hg19) VCF-style: chr19-45322746-C-T.
Other names: c.1617C>T, p.Thr539= (NM_001013257.2).
Identifiers: ClinVar variation 3045250 (VCV003045250.2), dbSNP rs141886629, ClinGen allele CA9504859.